The following is an entry in ClinVar:

ClinVar aggregate classification (germline): Conflicting classifications of pathogenicity. Review status: criteria provided, conflicting classifications (1 of 4 stars). 2 submissions from 2 submitters: Uncertain significance (1); Likely benign (1). Last evaluated 2025-10-01.

Conditions:
Inborn genetic diseases. Identifiers: MedGen C0950123, MeSH D030342.
Drash syndrome (DDS). Also called: NEPHROPATHY, WILMS TUMOR, AND GENITAL ANOMALIES; WILMS TUMOR AND PSEUDO- OR TRUE HERMAPHRODITISM. Identifiers: Orphanet 220, MedGen C0950121, MONDO:0008682, OMIM 194080.
Frasier syndrome. Identifiers: Orphanet 347, MedGen C0950122, MeSH D052159, MONDO:0007635, OMIM 136680.
Wilms tumor 1 (WT1). Also called: Wilms tumor, somatic. Identifiers: Orphanet 654, MedGen CN033288, MONDO:0008679, OMIM 194070.
11p partial monosomy syndrome (WAGR). Also called: WAGR Spectrum Disorder; WAGR syndrome; WAGR Complex; CHROMOSOME 11p13 DELETION SYNDROME. Identifiers: Orphanet 893, MedGen C0206115, MONDO:0008681, OMIM 194072.

Submissions (2):

Ambry Genetics
Classification: Likely benign for Inborn genetic diseases. Last evaluated: 2025-10-01. Review status: criteria provided, single submitter. Criteria: Ambry Variant Classification Scheme 2023. Collection method: clinical testing. Allele origin: germline.

Labcorp Genetics (formerly Invitae), Labcorp
Classification: Uncertain significance for Wilms tumor 1; Drash syndrome; 11p partial monosomy syndrome; Frasier syndrome. Last evaluated: 2022-02-05. Review status: criteria provided, single submitter. Criteria: Invitae Variant Classification Sherloc (09022015). Collection method: clinical testing. Allele origin: germline.
Comment: In summary, the available evidence is currently insufficient to determine the role of this variant in disease. Therefore, it has been classified as a Variant of Uncertain Significance. Algorithms developed to predict the effect of missense changes on protein structure and function are either unavailable or do not agree on the potential impact of this missense change (SIFT: "Deleterious"; PolyPhen-2: "Benign"; Align-GVGD: "Class C0"). This variant has not been reported in the literature in individuals affected with WT1-related conditions. This variant is not present in population databases (gnomAD no frequency). This sequence change replaces serine, which is neutral and polar, with threonine, which is neutral and polar, at codon 49 of the WT1 protein (p.Ser49Thr).

NM_024426.6(WT1):c.161G>C (p.Ser54Thr)

Genes: WT1 (WT1 transcription factor; minus strand), LOC107982234 (WT1/WT1-AS bi-directional promoter region; plus strand). Cytogenetic location: 11p13.
Variant type: single nucleotide variant.
Coding change: c.161G>C on transcript NM_024426.6 (MANE Select); coding-DNA position 161, G replaced by C.
Protein change: p.Ser54Thr; replaces serine 54 with threonine.
Molecular consequence: missense variant. On other transcripts: non-coding transcript variant (1).
Genome position (GRCh38, 1-based): chr11:32,435,200, C>G on the plus strand (G>C on the coding strand, the complement: WT1 is on the minus strand). VCF-style: chr11-32435200-C-G. GRCh37 (hg19) VCF-style: chr11-32456746-C-G.
Other names: c.146G>C (NM_024426.4); c.161G>C, p.Ser54Thr (NM_000378.6, NM_001407044.1, NM_001407045.1 and 6 more transcripts); c.146G>C, p.Ser49Thr (NM_024425.2); short protein forms S49T, S54T.
Identifiers: ClinVar variation 2093007 (VCV002093007.5), dbSNP rs2133106593, ClinGen allele CA379966255.